The following is an entry in ClinVar:

NM_000057.4(BLM):c.3272A>G (p.His1091Arg)

Gene: BLM (BLM RecQ like helicase; plus strand). Cytogenetic location: 15q26.1.
Variant type: single nucleotide variant.
Coding change: c.3272A>G on transcript NM_000057.4 (MANE Select); coding-DNA position 3272, A replaced by G.
Protein change: p.His1091Arg; replaces histidine 1091 with arginine.
Molecular consequence: missense variant.
Genome position (GRCh38, 1-based): chr15:90,798,251, A>G. VCF-style: chr15-90798251-A-G. GRCh37 (hg19) VCF-style: chr15-91341481-A-G.
Other names: c.3272A>G, p.His1091Arg (NM_001287246.2, NM_001287247.2); c.2147A>G, p.His716Arg (NM_001287248.2); c.3272A>G (NM_000057.2); short protein forms H1091R, H716R.
Identifiers: ClinVar variation 236814 (VCV000236814.16), dbSNP rs750954124, ClinGen allele CA7738979.

ClinVar aggregate classification (germline): Uncertain significance. Review status: criteria provided, multiple submitters, no conflicts (2 of 4 stars). 5 submissions from 5 submitters: Uncertain significance (4). 1 of the submissions does not count toward it. Last evaluated 2025-12-07.

Conditions:
Hereditary cancer. Identifiers: MedGen C1333600.
Hereditary cancer-predisposing syndrome. Also called: Hereditary neoplastic syndrome; Hereditary Cancer Syndrome; Neoplastic Syndromes, Hereditary; Tumor predisposition. Identifiers: Orphanet 140162, MedGen C0027672, MeSH D009386, MONDO:0015356.
Bloom syndrome (BLM). Also called: Bloom-Torre-Machacek syndrome. Identifiers: Orphanet 125, MedGen C0005859, MONDO:0008876, OMIM 210900.

Allele frequency attached by ClinVar (database versions not stated): gnomAD exomes below 0.00001; ExAC 0.00001.
gnomAD v4.1: 8 of 1,611,888 alleles (0.0005%); highest among the groups gnomAD compares: Middle Eastern, 0.017%; no homozygotes.

Submissions (5):

Ambry Genetics
Classification: Uncertain significance for Hereditary cancer-predisposing syndrome. Last evaluated: 2025-12-07. Review status: criteria provided, single submitter. Criteria: Ambry Variant Classification Scheme 2023. Collection method: clinical testing. Allele origin: germline.
Comment: The p.H1091R variant (also known as c.3272A>G), located in coding exon 16 of the BLM gene, results from an A to G substitution at nucleotide position 3272. The histidine at codon 1091 is replaced by arginine, an amino acid with highly similar properties. This amino acid position is well conserved in available vertebrate species. In addition, this alteration is predicted to be tolerated by in silico analysis. Since supporting evidence is limited at this time, the clinical significance of this alteration remains unclear.

Labcorp Genetics (formerly Invitae), Labcorp
Classification: Uncertain significance for Bloom syndrome. Last evaluated: 2025-12-02. Review status: criteria provided, single submitter. Criteria: Invitae Variant Classification Sherloc (09022015). Collection method: clinical testing. Allele origin: germline.
Comment: This sequence change replaces histidine, which is basic and polar, with arginine, which is basic and polar, at codon 1091 of the BLM protein (p.His1091Arg). This variant is present in population databases (rs750954124, gnomAD no frequency). This variant has not been reported in the literature in individuals affected with BLM-related conditions. ClinVar contains an entry for this variant (Variation ID: 236814). Invitae Evidence Modeling of protein sequence and biophysical properties (such as structural, functional, and spatial information, amino acid conservation, physicochemical variation, residue mobility, and thermodynamic stability) has been performed for this missense variant. However, the output from this modeling did not meet the statistical confidence thresholds required to predict the impact of this variant on BLM protein function. In summary, the available evidence is currently insufficient to determine the role of this variant in disease. Therefore, it has been classified as a Variant of Uncertain Significance.

Mendelics
Classification: Uncertain significance for Hereditary cancer. Last evaluated: 2025-02-26. Review status: criteria provided, single submitter. Criteria: ACMG Guidelines, 2015. Collection method: clinical testing. Allele origin: unknown.
Comment: The available evidence is insufficient to conclusively determine the role of this variant. Therefore, it is classified as a Variant of Uncertain Significance.

Genetic Services Laboratory, University of Chicago
Classification: Uncertain significance. Last evaluated: 2017-03-13. Review status: criteria provided, single submitter. Criteria: ACMG Guidelines, 2015. Collection method: clinical testing. Allele origin: germline. Affected: no.

Natera, Inc.
Classification: Uncertain significance for Bloom syndrome. Last evaluated: 2020-09-16. Review status: no assertion criteria provided. Collection method: clinical testing. Allele origin: germline. Not counted in ClinVar's aggregate classification.